The following is an entry in ClinVar:

NM_012448.4(STAT5B):c.1012C>T (p.Pro338Ser)

Gene: STAT5B (signal transducer and activator of transcription 5B; minus strand). Cytogenetic location: 17q21.2.
Variant type: single nucleotide variant.
Coding change: c.1012C>T on transcript NM_012448.4 (MANE Select); coding-DNA position 1012, C replaced by T.
Protein change: p.Pro338Ser; replaces proline 338 with serine.
Molecular consequence: missense variant.
Genome position (GRCh38, 1-based): chr17:42,218,308, G>A on the plus strand (C>T on the coding strand, the complement: STAT5B is on the minus strand). VCF-style: chr17-42218308-G-A. GRCh37 (hg19) VCF-style: chr17-40370326-G-A.
Other names: short protein forms P338S.
Identifiers: ClinVar variation 2444309 (VCV002444309.1), dbSNP rs2508756047, ClinGen allele CA399585740.

ClinVar aggregate classification (germline): Uncertain significance (1 of 4 stars; one submission).

Conditions:
Growth hormone insensitivity syndrome with immune dysregulation 2, autosomal dominant. Identifiers: MedGen C5436546, MONDO:0100219, OMIM 618985.

Submission:

3billion
Classification: Uncertain significance for Growth hormone insensitivity syndrome with immune dysregulation 2, autosomal dominant. Last evaluated: 2023-02-23. Review status: criteria provided, single submitter. Criteria: ACMG Guidelines, 2015. Collection method: clinical testing. Allele origin: unknown. Affected: yes.
Comment: The variant is not observed in the gnomAD v2.1.1 dataset. Missense changes are a common disease-causing mechanism. In silico tool predictions suggest damaging effect of the variant on gene or gene product (REVEL: 0.92; 3Cnet: 0.65). However, the evidence of pathogenicity is insufficient at this time. Therefore, this variant is classified as VUS according to the recommendation of ACMG/AMP guideline.